The following is an entry in ClinVar:

ClinVar aggregate classification (germline): Conflicting classifications of pathogenicity. Review status: criteria provided, conflicting classifications (1 of 4 stars). 8 submissions from 8 submitters: Uncertain significance (2); Benign (1); Likely benign (5). Last evaluated 2026-01-01.

Conditions:
Loeys-Dietz syndrome (LDS). Identifiers: Orphanet 60030, MedGen C2697932, MONDO:0018954.
Familial thoracic aortic aneurysm and aortic dissection (TAAD). Also called: Thoracic aortic aneurysms and dissections. Identifiers: Orphanet 91387, MedGen C4707243, MONDO:0019625.
Multiple self-healing squamous epithelioma (MSSE). Also called: MULTIPLE SELF-HEALING SQUAMOUS EPITHELIOMA, SUSCEPTIBILITY TO. Identifiers: Orphanet 65748, MedGen C0546476, MONDO:0007566, OMIM 132800.

Allele frequency attached by ClinVar (database versions not stated): TOPMed 0.00001.

Submissions (8):

CeGaT Center for Human Genetics Tuebingen
Classification: Uncertain significance. Last evaluated: 2026-01-01. Review status: criteria provided, single submitter. Criteria: CeGaT Center For Human Genetics Tuebingen Variant Classification Criteria Version 2. Collection method: clinical testing. Allele origin: germline. Affected: yes. Observed: 2 variant alleles.
Comment: TGFBR1: PM2, BP4

Color Diagnostics, LLC DBA Color Health
Classification: Likely benign for Familial thoracic aortic aneurysm and aortic dissection. Last evaluated: 2025-10-06. Review status: criteria provided, single submitter. Criteria: ACMG Guidelines, 2015. Collection method: clinical testing. Allele origin: germline.

Labcorp Genetics (formerly Invitae), Labcorp
Classification: Likely benign for Familial thoracic aortic aneurysm and aortic dissection. Last evaluated: 2025-03-09. Review status: criteria provided, single submitter. Criteria: Invitae Variant Classification Sherloc (09022015). Collection method: clinical testing. Allele origin: germline.

KCCC/NGS Laboratory, Kuwait Cancer Control Center
Classification: Benign for Multiple self-healing squamous epithelioma. Last evaluated: 2025-02-01. Review status: criteria provided, single submitter. Criteria: ACMG Guidelines, 2015. Collection method: clinical testing. Allele origin: germline. Affected: no.

Ambry Genetics
Classification: Likely benign for Familial thoracic aortic aneurysm and aortic dissection. Last evaluated: 2024-06-26. Review status: criteria provided, single submitter. Criteria: Ambry Variant Classification Scheme 2023. Collection method: clinical testing. Allele origin: germline.

All of Us Research Program, National Institutes of Health
Classification: Uncertain significance for Loeys-Dietz syndrome. Last evaluated: 2023-05-31. Review status: criteria provided, single submitter. Criteria: ACMG Guidelines, 2015. Collection method: clinical testing. Allele origin: germline. Inheritance: Autosomal dominant inheritance. Observed: 1 variant allele, 1 heterozygote.
Comment: This study involves interpretation of variants in research participants for the purpose of population health screening. Participant phenotype was not available at the time of variant classification. Additional details can be found in publication PMID: 35346344, PMCID: PMC8962531

GeneDx
Classification: Likely benign. Last evaluated: 2018-02-15. Review status: criteria provided, single submitter. Criteria: GeneDx Variant Classification (06012015). Collection method: clinical testing. Allele origin: germline. Affected: yes.
Comment: This variant is considered likely benign or benign based on one or more of the following criteria: it is a conservative change, it occurs at a poorly conserved position in the protein, it is predicted to be benign by multiple in silico algorithms, and/or has population frequency not consistent with disease.

Laboratory for Molecular Medicine, Mass General Brigham Personalized Medicine
Classification: Likely benign. Last evaluated: 2009-09-21. Review status: criteria provided, single submitter. Criteria: LMM Criteria. Collection method: clinical testing. Allele origin: germline. Observed: 1 variant allele.

Literature cited by the submitters: PubMed 24793577 (cited by Ambry Genetics).

NM_004612.4(TGFBR1):c.1387-4G>A

Gene: TGFBR1 (transforming growth factor beta receptor 1; plus strand). Cytogenetic location: 9q22.33.
Variant type: single nucleotide variant.
Coding change: c.1387-4G>A on transcript NM_004612.4 (MANE Select); 4 bases into the intron before coding-DNA position 1387, G replaced by A.
Molecular consequence: intron variant.
Genome position (GRCh38, 1-based): chr9:99,149,176, G>A. VCF-style: chr9-99149176-G-A. GRCh37 (hg19) VCF-style: chr9-101911458-G-A.
Other names: c.1399-4G>A (NM_001306210.2); c.1156-4G>A (NM_001130916.3); c.1387-4G>A (NM_004612.3).
Identifiers: ClinVar variation 45096 (VCV000045096.42), dbSNP rs397517031, ClinGen allele CA008750.